The following is an entry in ClinVar:

NM_014055.4(IFT81):c.1538A>G (p.Gln513Arg)

Gene: IFT81 (intraflagellar transport 81; plus strand). Cytogenetic location: 12q24.11.
Variant type: single nucleotide variant.
Coding change: c.1538A>G on transcript NM_014055.4 (MANE Select); coding-DNA position 1538, A replaced by G.
Protein change: p.Gln513Arg; replaces glutamine 513 with arginine.
Molecular consequence: missense variant. On other transcripts: non-coding transcript variant (4).
Genome position (GRCh38, 1-based): chr12:110,192,687, A>G. VCF-style: chr12-110192687-A-G. GRCh37 (hg19) VCF-style: chr12-110630492-A-G.
Other names: c.1538A>G, p.Gln513Arg (NM_001143779.2); c.608A>G, p.Gln203Arg (NM_001347947.2, NM_001347948.2); short protein forms Q203R, Q513R.
Identifiers: ClinVar variation 3067265 (VCV003067265.21), dbSNP rs1897850259, ClinGen allele CA386906371.
Genomic context (GRCh38, chr12:110,192,687, plus strand): 5'-TGTATTCATTGGTATCTGAAAAGAAGTCAGCTCTTGCCTCAGTTATAAAAGAGCTACGAC[A>G]GTTGCGTCAAAAATATCAAGTAAGTTTTTGATTTTATCAAGTAATTTGATTTTATGATAC-3'
Protein context (NP_054774.2, residues 503-523): ALASVIKELR[Gln513Arg]LRQKYQELTQ

ClinVar aggregate classification (germline): Uncertain significance (1 of 4 stars; one submission).

Submission:

CeGaT Center for Human Genetics Tuebingen
Classification: Uncertain significance. Last evaluated: 2024-03-01. Review status: criteria provided, single submitter. Criteria: CeGaT Center For Human Genetics Tuebingen Variant Classification Criteria Version 2. Collection method: clinical testing. Allele origin: germline. Affected: yes. Observed: 1 variant allele.
Comment: IFT81: PM2, BP4